The following is an entry in ClinVar:

NM_006393.3(NEBL):c.1232A>C (p.Glu411Ala)

Gene: NEBL (nebulette; minus strand). Cytogenetic location: 10p12.31.
Variant type: single nucleotide variant.
Coding change: c.1232A>C on transcript NM_006393.3 (MANE Select); coding-DNA position 1232, A replaced by C.
Protein change: p.Glu411Ala; replaces glutamic acid 411 with alanine.
Molecular consequence: missense variant. On other transcripts: intron variant (9).
Genome position (GRCh38, 1-based): chr10:20,840,845, T>G on the plus strand (A>C on the coding strand, the complement: NEBL is on the minus strand). VCF-style: chr10-20840845-T-G. GRCh37 (hg19) VCF-style: chr10-21129774-T-G.
Other names: c.250-27905A>C (NM_001377326.1, NM_001377327.1, NM_001377328.1); c.358-27905A>C (NM_213569.2, NM_001173484.2, NM_001377322.1); c.301-27905A>C (NM_001377324.1); c.292-27905A>C (NM_001377325.1); c.310-27905A>C (NM_001377323.1); short protein forms E411A.
Identifiers: ClinVar variation 2483650 (VCV002483650.4), dbSNP rs753584108, ClinGen allele CA5432934.
Genomic context (GRCh38, chr10:20,840,845, plus strand): 5'-ACTTCTGAATTAAGTTCCATTCCTTTCCCTTTTATCTCATTTTCCAAATCTTTTTTATAT[T>G]CTTTCTATGAGACAAGAATATCACAGTTCAAAACTTAGCAGGAATCACTTTATTCAGTGT-3'
Protein context (NP_006384.1, residues 401-421): KYITNLLREK[Glu411Ala]YKKDLENEIK

ClinVar aggregate classification (germline): Uncertain significance. Review status: criteria provided, multiple submitters, no conflicts (2 of 4 stars). 2 submissions from 2 submitters: Uncertain significance (2). Last evaluated 2025-03-09.

Conditions:
Primary dilated cardiomyopathy (DCM). Also called: Dilated Cardiomyopathy. Identifiers: Orphanet 217604, MedGen C0007193, MeSH D002311, MONDO:0005021, HP:0001644. Inheritance: Various modes of inheritance.

Allele frequency attached by ClinVar (database versions not stated): TOPMed below 0.00001; ExAC 0.00001; gnomAD 0.00001.
gnomAD v4.1: 14 of 1,538,746 alleles (0.00091%); highest among the groups gnomAD compares: Non-Finnish European, 0.0013%; no homozygotes.

Submissions (2):

Labcorp Genetics (formerly Invitae), Labcorp
Classification: Uncertain significance for Primary dilated cardiomyopathy. Last evaluated: 2025-03-09. Review status: criteria provided, single submitter. Criteria: Invitae Variant Classification Sherloc (09022015). Collection method: clinical testing. Allele origin: germline.
Comment: This sequence change replaces glutamic acid, which is acidic and polar, with alanine, which is neutral and non-polar, at codon 411 of the NEBL protein (p.Glu411Ala). This variant is present in population databases (rs753584108, gnomAD 0.002%). This variant has not been reported in the literature in individuals affected with NEBL-related conditions. ClinVar contains an entry for this variant (Variation ID: 2483650). An algorithm developed to predict the effect of missense changes on protein structure and function (PolyPhen-2) suggests that this variant is likely to be disruptive. In summary, the available evidence is currently insufficient to determine the role of this variant in disease. Therefore, it has been classified as a Variant of Uncertain Significance.

Ambry Genetics
Classification: Uncertain significance. Last evaluated: 2023-06-29. Review status: criteria provided, single submitter. Criteria: Ambry Variant Classification Scheme 2023. Collection method: clinical testing. Allele origin: germline.
Comment: The p.E411A variant (also known as c.1232A>C), located in coding exon 13 of the NEBL gene, results from an A to C substitution at nucleotide position 1232. The glutamic acid at codon 411 is replaced by alanine, an amino acid with dissimilar properties. This amino acid position is conserved. In addition, this alteration is predicted to be tolerated by in silico analysis. Since supporting evidence is limited at this time, the clinical significance of this alteration remains unclear.